The following is an entry in ClinVar:

NM_005257.6(GATA6):c.157G>A (p.Gly53Ser)

Gene: GATA6 (GATA binding protein 6; plus strand). Cytogenetic location: 18q11.2.
Variant type: single nucleotide variant.
Coding change: c.157G>A on transcript NM_005257.6 (MANE Select); coding-DNA position 157, G replaced by A.
Protein change: p.Gly53Ser; replaces glycine 53 with serine.
Molecular consequence: missense variant.
Genome position (GRCh38, 1-based): chr18:22,171,301, G>A. VCF-style: chr18-22171301-G-A. GRCh37 (hg19) VCF-style: chr18-19751262-G-A.
Other names: short protein forms G53S.
Identifiers: ClinVar variation 1394828 (VCV001394828.7), dbSNP rs1311659713, ClinGen allele CA401798833.

ClinVar aggregate classification (germline): Uncertain significance. Review status: criteria provided, multiple submitters, no conflicts (2 of 4 stars). 2 submissions from 2 submitters: Uncertain significance (2). Last evaluated 2024-04-05.

Conditions:
Atrioventricular septal defect 5 (AVSD5). Identifiers: MedGen C3280939, MONDO:0013769, OMIM 614474.

Allele frequency attached by ClinVar (database versions not stated): gnomAD exomes below 0.00001.
gnomAD v4.1: 10 of 1,591,228 alleles (0.00063%); highest among the groups gnomAD compares: Admixed American, 0.0017%; no homozygotes.

Submissions (2):

Blueprint Genetics
Classification: Uncertain significance. Last evaluated: 2024-04-05. Review status: criteria provided, single submitter. Criteria: ACMG Guidelines, 2015. Collection method: clinical testing. Allele origin: germline.

Labcorp Genetics (formerly Invitae), Labcorp
Classification: Uncertain significance for Atrioventricular septal defect 5. Last evaluated: 2023-12-14. Review status: criteria provided, single submitter. Criteria: Invitae Variant Classification Sherloc (09022015). Collection method: clinical testing. Allele origin: germline.
Comment: This sequence change replaces glycine, which is neutral and non-polar, with serine, which is neutral and polar, at codon 53 of the GATA6 protein (p.Gly53Ser). This variant is present in population databases (no rsID available, gnomAD 0.001%). This variant has not been reported in the literature in individuals affected with GATA6-related conditions. ClinVar contains an entry for this variant (Variation ID: 1394828). An algorithm developed to predict the effect of missense changes on protein structure and function (PolyPhen-2) suggests that this variant is likely to be tolerated. In summary, the available evidence is currently insufficient to determine the role of this variant in disease. Therefore, it has been classified as a Variant of Uncertain Significance.